The following is an entry in ClinVar:

NM_000321.2(RB1):c.382_383dupGT

Gene: RB1 (RB transcriptional corepressor 1; plus strand). Cytogenetic location: 13q14.2.
Variant type: Microsatellite.
Coding change: c.382_383dupGT on transcript NM_000321.2; coding-DNA positions 382 to 383, 2 bases duplicated (GT).
Genome position (GRCh38, 1-based): chr13:48,345,081-48,345,082, GT duplicated; duplicating any 2 consecutive bases within chr13:48,345,079-48,345,082 gives the same sequence; the c. name uses the placement nearest the transcript's 3' end. VCF-style (leftmost placement, unchanged base first): chr13-48345078-A-AGT. GRCh37 (hg19) VCF-style: chr13-48919214-A-AGT.
Identifiers: ClinVar variation 1735264 (VCV001735264.2), dbSNP rs2542159160, ClinGen allele CA2580614717.
Genomic context (GRCh38, chr13:48,345,078, plus strand): 5'-AAACGAAATAACACAAATTTTTAAGGTTACTGATTTACTTTTTTCTATTCTTTCCTTTGT[A>AGT]GTGTCCATAAATTCTTTAACTTACTAAAAGAAATTGATACCAGTACCAAAGTTGATAATG-3'

ClinVar aggregate classification (germline): Pathogenic (1 of 4 stars; one submission).

Conditions:
Hereditary cancer-predisposing syndrome. Also called: Hereditary neoplastic syndrome; Neoplastic Syndromes, Hereditary; Tumor predisposition; Hereditary Cancer Syndrome. Identifiers: Orphanet 140162, MedGen C0027672, MeSH D009386, MONDO:0015356.

Submission:

Ambry Genetics
Classification: Pathogenic for Hereditary cancer-predisposing syndrome. Last evaluated: 2020-01-24. Review status: criteria provided, single submitter. Criteria: Ambry Variant Classification Scheme 2023. Collection method: clinical testing. Allele origin: germline.
Comment: The c.382_383dupGT pathogenic mutation, located in coding exon 4 of the RB1 gene, results from a duplication of GT at nucleotide position 382, causing a translational frameshift with a predicted alternate stop codon (p.H129Sfs*8). This alteration is expected to result in loss of function by premature protein truncation or nonsense-mediated mRNA decay. As such, this alteration is interpreted as a disease-causing mutation.